The following is an entry in ClinVar:

NM_018124.4(RFWD3):c.2182-3T>C

Gene: RFWD3 (ring finger and WD repeat domain 3; minus strand). Cytogenetic location: 16q23.1.
Variant type: single nucleotide variant.
Coding change: c.2182-3T>C on transcript NM_018124.4 (MANE Select); 3 bases into the intron before coding-DNA position 2182, T replaced by C.
Molecular consequence: intron variant.
Genome position (GRCh38, 1-based): chr16:74,624,074, A>G on the plus strand (T>C on the coding strand, the complement: RFWD3 is on the minus strand). VCF-style: chr16-74624074-A-G. GRCh37 (hg19) VCF-style: chr16-74657972-A-G.
Other names: c.2182-3T>C (NM_001370534.1, NM_001370535.1, NM_018124.3); c.1348-3T>C (NM_001370539.1, NM_001370537.1, NM_001370543.1 and 2 more transcripts); c.2005-3T>C (NM_001370536.1).
Identifiers: ClinVar variation 2045858 (VCV002045858.7), dbSNP rs202136713, ClinGen allele CA8168952.

ClinVar aggregate classification (germline): Likely benign. Review status: criteria provided, multiple submitters, no conflicts (2 of 4 stars). 3 submissions from 3 submitters: Likely benign (2). 1 of the submissions does not count toward it. Last evaluated 2026-02-01.

Conditions:
RFWD3-related disorder. Also called: RFWD3-related condition.

Allele frequency attached by ClinVar (database versions not stated): 1000 Genomes Project 30x 0.00016; 1000 Genomes Project 0.00020; TOPMed 0.00265; ESP Exome Variant Server 0.00292; gnomAD 0.00308; ExAC 0.00318.
gnomAD v4.1: 5,527 of 1,613,652 alleles (0.34%); highest among the groups gnomAD compares: Non-Finnish European, 0.37%; 14 homozygotes.

Submissions (3):

Labcorp Genetics (formerly Invitae), Labcorp
Classification: Likely benign. Last evaluated: 2026-02-01. Review status: criteria provided, single submitter. Criteria: Invitae Variant Classification Sherloc (09022015). Collection method: clinical testing. Allele origin: germline.

Blueprint Genetics
Classification: Likely benign. Last evaluated: 2024-11-06. Review status: criteria provided, single submitter. Criteria: ACMG Guidelines, 2015. Collection method: clinical testing. Allele origin: germline.

PreventionGenetics, part of Exact Sciences
Classification: Likely benign for RFWD3-related condition. Last evaluated: 2019-12-06. Review status: no assertion criteria provided. Collection method: clinical testing. Allele origin: germline. Not counted in ClinVar's aggregate classification.
Comment: This variant is classified as likely benign based on ACMG/AMP sequence variant interpretation guidelines (Richards et al. 2015 PMID: 25741868, with internal and published modifications).